The following is an entry in ClinVar:

ClinVar aggregate classification (germline): Uncertain significance (1 of 4 stars; one submission).

Conditions:
Hereditary cancer-predisposing syndrome. Also called: Neoplastic Syndromes, Hereditary; Tumor predisposition; Hereditary neoplastic syndrome; Hereditary Cancer Syndrome. Identifiers: Orphanet 140162, MedGen C0027672, MeSH D009386, MONDO:0015356.

Submission:

Ambry Genetics
Classification: Uncertain significance for Hereditary cancer-predisposing syndrome. Last evaluated: 2024-02-28. Review status: criteria provided, single submitter. Criteria: Ambry Variant Classification Scheme 2023. Collection method: clinical testing. Allele origin: germline.
Comment: The p.I1430L variant (also known as c.4288A>C), located in coding exon 23 of the PTCH1 gene, results from an A to C substitution at nucleotide position 4288. The isoleucine at codon 1430 is replaced by leucine, an amino acid with highly similar properties. This amino acid position is conserved. In addition, the in silico prediction for this alteration is inconclusive. Based on the available evidence, the clinical significance of this alteration remains unclear.

NM_000264.5(PTCH1):c.4288A>C (p.Ile1430Leu)

Gene: PTCH1 (patched 1; minus strand). Cytogenetic location: 9q22.32.
Variant type: single nucleotide variant.
Coding change: c.4288A>C on transcript NM_000264.5 (MANE Select); coding-DNA position 4288, A replaced by C.
Protein change: p.Ile1430Leu; replaces isoleucine 1430 with leucine.
Molecular consequence: missense variant. On other transcripts: non-coding transcript variant (1).
Genome position (GRCh38, 1-based): chr9:95,446,968, T>G on the plus strand (A>C on the coding strand, the complement: PTCH1 is on the minus strand). VCF-style: chr9-95446968-T-G. GRCh37 (hg19) VCF-style: chr9-98209250-T-G.
Other names: c.4090A>C, p.Ile1364Leu (NM_001083602.3); c.4285A>C, p.Ile1429Leu (NM_001083603.3); c.3835A>C, p.Ile1279Leu (NM_001083604.3, NM_001083605.3, NM_001083606.3 and 1 more transcripts); c.4132A>C, p.Ile1378Leu (NM_001354918.2); short protein forms I1279L, I1364L, I1378L, I1429L, I1430L.
Identifiers: ClinVar variation 3231049 (VCV003231049.1), dbSNP rs1043260017, ClinGen allele CA374109951.
Genomic context (GRCh38, chr9:95,446,968, plus strand): 5'-CACCTCAGTTGGAGCTGCTTCCCCGGGGCCTCTCCTCGCATTCCACGTCCTGCAGCTCAA[T>G]GACTTCCACCTTCGAATCCCTCCTCTCACACCGGACGTGGAAAGGCACGTGGGGGTCCTC-3'
Protein context (NP_000255.2, residues 1420-1440): CERRDSKVEV[Ile1430Leu]ELQDVECEER